The following is an entry in ClinVar:

NM_198514.4(NHLRC2):c.1200C>T (p.Asn400=)

Gene: NHLRC2 (NHL repeat containing 2; plus strand). Cytogenetic location: 10q25.3.
Variant type: single nucleotide variant.
Coding change: c.1200C>T on transcript NM_198514.4 (MANE Select); coding-DNA position 1200, C replaced by T.
Protein change: p.Asn400=; no amino-acid change (asparagine 400 retained).
Molecular consequence: synonymous variant.
Genome position (GRCh38, 1-based): chr10:113,901,726, C>T. VCF-style: chr10-113901726-C-T. GRCh37 (hg19) VCF-style: chr10-115661485-C-T.
Identifiers: ClinVar variation 3040839 (VCV003040839.2), dbSNP rs755174929, ClinGen allele CA5697961.

ClinVar aggregate classification (germline): Likely benign (0 of 4 stars; one submission).

Conditions:
NHLRC2-related disorder. Also called: NHLRC2-related condition.

Allele frequency attached by ClinVar (database versions not stated): gnomAD exomes below 0.00001; ExAC 0.00001; gnomAD 0.00001; TOPMed 0.00001.
gnomAD v4.1: 4 of 1,614,040 alleles (0.00025%); highest among the groups gnomAD compares: Non-Finnish European, 0.00025%; no homozygotes.

Submission:

PreventionGenetics, part of Exact Sciences
Classification: Likely benign for NHLRC2-related condition. Last evaluated: 2019-09-19. Review status: no assertion criteria provided. Collection method: clinical testing. Allele origin: germline.
Comment: This variant is classified as likely benign based on ACMG/AMP sequence variant interpretation guidelines (Richards et al. 2015 PMID: 25741868, with internal and published modifications).